The following is an entry in ClinVar:

NM_003611.3(OFD1):c.1861C>T (p.Pro621Ser)

Gene: OFD1 (OFD1 centriole and centriolar satellite protein; plus strand). Cytogenetic location: Xp22.2.
Variant type: single nucleotide variant.
Coding change: c.1861C>T on transcript NM_003611.3 (MANE Select); coding-DNA position 1861, C replaced by T.
Protein change: p.Pro621Ser; replaces proline 621 with serine.
Molecular consequence: missense variant.
Genome position (GRCh38, 1-based): chrX:13,760,321, C>T. VCF-style: chrX-13760321-C-T. GRCh37 (hg19) VCF-style: chrX-13778440-C-T.
Other names: c.1741C>T, p.Pro581Ser (NM_001330209.2); c.1441C>T, p.Pro481Ser (NM_001330210.2); short protein forms P621S, P581S, P481S.
Identifiers: ClinVar variation 546295 (VCV000546295.6), dbSNP rs1555906903, ClinGen allele CA412343990.
Genomic context (GRCh38, chrX:13,760,321, plus strand): 5'-GCACGTATGGTTGCATCAAGGATCACAAATTATCCAACTGCATGGGTGGAGGGTAGTTCC[C>T]CTGATTCTGACCTTGAGTTTGTAGCCAATACTAAGGCAAGGGTCAAAGAGCTTCAGCAAG-3'
Protein context (NP_003602.1, residues 611-631): YPTAWVEGSS[Pro621Ser]DSDLEFVANT

ClinVar aggregate classification (germline): Uncertain significance. Review status: criteria provided, multiple submitters, no conflicts (2 of 4 stars). 3 submissions from 3 submitters: Uncertain significance (2). 1 of the submissions does not count toward it. Last evaluated 2023-05-03.

Conditions:
OFD1-related disorder. Also called: OFD1-related condition.

Submissions (3):

GeneDx
Classification: Uncertain significance. Last evaluated: 2023-05-03. Review status: criteria provided, single submitter. Criteria: GeneDx Variant Classification Process June 2021. Collection method: clinical testing. Allele origin: germline. Affected: yes.
Comment: Not observed at significant frequency in large population cohorts (gnomAD); In silico analysis supports that this missense variant has a deleterious effect on protein structure/function; Has not been previously published as pathogenic or benign to our knowledge

Blueprint Genetics
Classification: Uncertain significance. Last evaluated: 2021-06-16. Review status: criteria provided, single submitter. Criteria: ACMG Guidelines, 2015. Collection method: clinical testing. Allele origin: germline.

PreventionGenetics, part of Exact Sciences
Classification: Uncertain significance for OFD1-related condition. Last evaluated: 2023-12-24. Review status: no assertion criteria provided. Collection method: clinical testing. Allele origin: germline. Not counted in ClinVar's aggregate classification.
Comment: The OFD1 c.1861C>T variant is predicted to result in the amino acid substitution p.Pro621Ser. To our knowledge, this variant has not been reported in the literature or in a large population database, indicating this variant is rare. At this time, the clinical significance of this variant is uncertain due to the absence of conclusive functional and genetic evidence.